The following is an entry in ClinVar:

ClinVar aggregate classification (germline): Likely pathogenic (0 of 4 stars; one submission).

Conditions:
DNAAF2-related disorder. Also called: DNAAF2-related condition.

gnomAD v4.1: 2 of 1,561,776 alleles (0.00013%); highest among the groups gnomAD compares: Non-Finnish European, 0.00017%; no homozygotes.

Submission:

PreventionGenetics, part of Exact Sciences
Classification: Likely pathogenic for DNAAF2-related condition. Last evaluated: 2024-07-01. Review status: no assertion criteria provided. Collection method: clinical testing. Allele origin: germline.
Comment: The DNAAF2 c.178G>T variant is predicted to result in premature protein termination (p.Glu60*). To our knowledge, this variant has not been reported in the literature or in a large population database, indicating this variant is rare. Nonsense variants in DNAAF2 are expected to be pathogenic. This variant is interpreted as likely pathogenic.

NM_018139.3(DNAAF2):c.178G>T (p.Glu60Ter)

Gene: DNAAF2 (dynein axonemal assembly factor 2; minus strand). Cytogenetic location: 14q21.3.
Variant type: single nucleotide variant.
Coding change: c.178G>T on transcript NM_018139.3 (MANE Select); coding-DNA position 178, G replaced by T.
Protein change: p.Glu60Ter; replaces glutamic acid 60 with a stop codon.
Molecular consequence: nonsense.
Genome position (GRCh38, 1-based): chr14:49,634,972, C>A on the plus strand (G>T on the coding strand, the complement: DNAAF2 is on the minus strand). VCF-style: chr14-49634972-C-A. GRCh37 (hg19) VCF-style: chr14-50101690-C-A.
Other names: c.178G>T, p.Glu60Ter (NM_001083908.2); short protein forms E60*.
Identifiers: ClinVar variation 3354973 (VCV003354973.1).